The following is an entry in ClinVar:

NM_005219.5(DIAPH1):c.1821TCC[9] (p.Pro619_Pro620del)

Gene: DIAPH1 (diaphanous related formin 1; minus strand). Cytogenetic location: 5q31.3.
Variant type: Microsatellite.
Coding change: c.1821TCC[9] on transcript NM_005219.5 (MANE Select); nine copies in a row of the 3-base unit TCC starting at c.1821; the reference has 11 copies in a row; two copies, 6 bases deleted; also written c.1848_1853del.
Protein change: p.Pro619_Pro620del.
Molecular consequence: inframe deletion.
Genome position (GRCh38, 1-based): chr5:141,573,997-141,574,002, GGAGGA deleted on the plus strand (TCCTCC on the coding strand, the reverse complement: DIAPH1 is on the minus strand); deleting any 6 consecutive bases within chr5:141,573,997-141,574,030 gives the same sequence; the position shown is the placement nearest the transcript's 3' end. VCF-style (leftmost placement, unchanged base first): chr5-141573996-TGGAGGA-T. GRCh37 (hg19) VCF-style: chr5-140953563-TGGAGGA-T.
Other names: c.1848_1853del (NM_005219.4); c.1794TCC[9], p.Pro610_Pro611del (NM_001079812.3); c.1821TCC[9], p.Pro619_Pro620del (NM_001314007.2).
Identifiers: ClinVar variation 351294 (VCV000351294.44), dbSNP rs3075570, ClinGen allele CA3479200.

ClinVar aggregate classification (germline): Benign. Review status: criteria provided, multiple submitters, no conflicts (2 of 4 stars). 4 submissions from 4 submitters: Benign (4). Last evaluated 2026-02-01.

Conditions:
Autosomal dominant nonsyndromic hearing loss 1. Also called: KONIGSMARK SYNDROME; DEAFNESS, AUTOSOMAL DOMINANT 1, WITH OR WITHOUT THROMBOCYTOPENIA. Identifiers: Orphanet 90635, MedGen C1852282, MONDO:0007424, OMIM 124900.
Progressive microcephaly-seizures-cortical blindness-developmental delay syndrome. Also called: Seizures, cortical blindness, and microcephaly syndrome. Identifiers: Orphanet 477814, MedGen C5567650, MONDO:0014714, OMIM 616632.

Submissions (4):

Labcorp Genetics (formerly Invitae), Labcorp
Classification: Benign for Progressive microcephaly-seizures-cortical blindness-developmental delay syndrome; Autosomal dominant nonsyndromic hearing loss 1. Last evaluated: 2026-02-01. Review status: criteria provided, single submitter. Criteria: Invitae Variant Classification Sherloc (09022015). Collection method: clinical testing. Allele origin: germline.

CeGaT Center for Human Genetics Tuebingen
Classification: Benign. Last evaluated: 2022-05-01. Review status: criteria provided, single submitter. Criteria: CeGaT Center For Human Genetics Tuebingen Variant Classification Criteria Version 2. Collection method: clinical testing. Allele origin: germline. Affected: yes. Observed: 1 variant allele.
Comment: DIAPH1: BS1, BS2

GeneDx
Classification: Benign. Last evaluated: 2018-08-27. Review status: criteria provided, single submitter. Criteria: GeneDx Variant Classification Process June 2021. Collection method: clinical testing. Allele origin: germline. Affected: yes.

Laboratory for Molecular Medicine, Mass General Brigham Personalized Medicine
Classification: Benign. Last evaluated: 2017-08-23. Review status: criteria provided, single submitter. Criteria: LMM Criteria. Collection method: clinical testing. Allele origin: germline. Observed: 1 variant allele.
Comment: p.Pro619_Pro620del in exon 16 of DIAPH1: This variant is not expected to have cl inical significance because it has been identified in 2.77% (14/506) of East Asi an chromosomes by the Exome Aggregation Consortium (ExAC; dbSNP rs760344729).